The following is an entry in ClinVar:

ClinVar aggregate classification (germline): Uncertain significance (0 of 4 stars; one submission).

Conditions:
FBN2-related disorder. Also called: FBN2-related condition.

Submission:

PreventionGenetics, part of Exact Sciences
Classification: Uncertain significance for FBN2-related condition. Last evaluated: 2024-06-28. Review status: no assertion criteria provided. Collection method: clinical testing. Allele origin: germline.
Comment: The FBN2 c.4634G>A variant is predicted to result in the amino acid substitution p.Gly1545Asp. To our knowledge, this variant has not been reported in the literature or in the large population database gnomAD, indicating this variant is rare. At this time, the clinical significance of this variant is uncertain due to the absence of conclusive functional and genetic evidence.

NM_001999.4(FBN2):c.4634G>A (p.Gly1545Asp)

Gene: FBN2 (fibrillin 2; minus strand). Cytogenetic location: 5q23.3.
Variant type: single nucleotide variant.
Coding change: c.4634G>A on transcript NM_001999.4 (MANE Select); coding-DNA position 4634, G replaced by A.
Protein change: p.Gly1545Asp; replaces glycine 1545 with aspartic acid.
Molecular consequence: missense variant.
Genome position (GRCh38, 1-based): chr5:128,318,232, C>T on the plus strand (G>A on the coding strand, the complement: FBN2 is on the minus strand). VCF-style: chr5-128318232-C-T. GRCh37 (hg19) VCF-style: chr5-127653924-C-T.
Other names: short protein forms G1545D.
Identifiers: ClinVar variation 3346097 (VCV003346097.1).